The following is an entry in ClinVar:

ClinVar aggregate classification (germline): Pathogenic/Likely pathogenic. Review status: criteria provided, multiple submitters, no conflicts (2 of 4 stars). 2 submissions from 2 submitters: Pathogenic (1); Likely pathogenic (1). Last evaluated 2023-07-21.

Conditions:
Hereditary spastic paraplegia 35. Also called: Spastic paraplegia 35; LEUKODYSTROPHY, DYSMYELINATING, AND SPASTIC PARAPARESIS WITH OR WITHOUT DYSTONIA; Spastic paraplegia 35, autosomal recessive; SPASTIC PARAPLEGIA 35, AUTOSOMAL RECESSIVE, WITH OR WITHOUT NEURODEGENERATION. Identifiers: Orphanet 171629, MedGen C3496228, MONDO:0012866, OMIM 612319.

Allele frequency attached by ClinVar (database versions not stated): TOPMed 0.00001.

Submissions (2):

Laboratorio de Genetica e Diagnostico Molecular, Hospital Israelita Albert Einstein
Classification: Likely pathogenic for Hereditary spastic paraplegia 35. Last evaluated: 2023-07-21. Review status: criteria provided, single submitter. Criteria: ACMG Guidelines, 2015. Collection method: clinical testing. Allele origin: germline. Affected: yes.
Comment: ACMG classification criteria: PVS1 strong, PM2 moderate

Institute of Human Genetics Munich, TUM University Hospital
Classification: Pathogenic for Hereditary spastic paraplegia 35. Last evaluated: 2017-12-15. Review status: criteria provided, single submitter. Criteria: Classification criteria August 2017. Collection method: clinical testing. Allele origin: germline. Inheritance: Autosomal recessive inheritance. Affected: yes. Observed: 2 homozygotes.

NM_024306.5(FA2H):c.102C>G (p.Tyr34Ter)

Genes: FA2H (fatty acid 2-hydroxylase; minus strand), LOC130059394 (ATAC-STARR-seq lymphoblastoid silent region 7701; plus strand). Cytogenetic location: 16q23.1.
Variant type: single nucleotide variant.
Coding change: c.102C>G on transcript NM_024306.5 (MANE Select); coding-DNA position 102, C replaced by G.
Protein change: p.Tyr34Ter; replaces tyrosine 34 with a stop codon.
Molecular consequence: nonsense.
Genome position (GRCh38, 1-based): chr16:74,774,654, G>C on the plus strand (C>G on the coding strand, the complement: FA2H is on the minus strand). VCF-style: chr16-74774654-G-C. GRCh37 (hg19) VCF-style: chr16-74808552-G-C.
Other names: short protein forms Y34*.
Identifiers: ClinVar variation 488512 (VCV000488512.4), dbSNP rs957683798, ClinGen allele CA283770055.